The following is an entry in ClinVar:

ClinVar aggregate classification (germline): Uncertain significance (1 of 4 stars; one submission).

gnomAD v4.1: 5 of 1,610,812 alleles (0.00031%); highest among the groups gnomAD compares: Non-Finnish European, 0.00042%; no homozygotes.

Submission:

CeGaT Center for Human Genetics Tuebingen
Classification: Uncertain significance. Last evaluated: 2026-05-01. Review status: criteria provided, single submitter. Criteria: CeGaT Center For Human Genetics Tuebingen Variant Classification Criteria Version 2. Collection method: clinical testing. Allele origin: germline. Affected: yes. Observed: 1 variant allele.
Comment: PHIP: PM2, BP4

NM_017934.7(PHIP):c.4682C>A (p.Pro1561His)

Genes: IRAK1BP1 (interleukin 1 receptor associated kinase 1 binding protein 1; plus strand), PHIP (PHIP subunit of CUL4-Ring ligase complex; minus strand). Cytogenetic location: 6q14.1.
Variant type: single nucleotide variant.
Coding change: c.4682C>A on transcript NM_017934.7 (MANE Select); coding-DNA position 4682, C replaced by A.
Protein change: p.Pro1561His; replaces proline 1561 with histidine.
Molecular consequence: missense variant.
Genome position (GRCh38, 1-based): chr6:78,945,446, G>T on the plus strand (C>A on the coding strand, the complement: PHIP is on the minus strand). VCF-style: chr6-78945446-G-T. GRCh37 (hg19) VCF-style: chr6-79655163-G-T.
Other names: short protein forms P1561H.
Identifiers: ClinVar variation 4874182 (VCV004874182.2).
Genomic context (GRCh38, chr6:78,945,446, plus strand): 5'-TTTTCCATGTTTTCTTTTGCAGAATTATTCCTAGTGCCATGACTAAAACTGGATTGACCA[G>T]GACTGGAAAGAGTATTCAAAGCTTTGGAATGTTTCACAGAATTCTCTAGTACTAAAACAT-3'
Protein context (NP_060404.4, residues 1551-1571): HSKALNTLSS[Pro1561His]GQSSFSHGTR